The following is an entry in ClinVar:

NM_001384140.1(PCDH15):c.251G>A (p.Trp84Ter)

Gene: PCDH15 (protocadherin related 15; minus strand). Cytogenetic location: 10q21.1.
Variant type: single nucleotide variant.
Coding change: c.251G>A on transcript NM_001384140.1 (MANE Select); coding-DNA position 251, G replaced by A.
Protein change: p.Trp84Ter; replaces tryptophan 84 with a stop codon.
Molecular consequence: nonsense.
Genome position (GRCh38, 1-based): chr10:54,378,849, C>T on the plus strand (G>A on the coding strand, the complement: PCDH15 is on the minus strand). VCF-style: chr10-54378849-C-T. GRCh37 (hg19) VCF-style: chr10-56138609-C-T.
Other names: c.266G>A, p.Trp89Ter (NM_001142763.2, NM_001142769.4, NM_001142771.2); c.251G>A, p.Trp84Ter (NM_001142764.2, NM_001142765.2, NM_001142766.2 and 8 more transcripts); c.185G>A, p.Trp62Ter (NM_001142768.2, NM_001142773.2, NM_001354404.2); short protein forms W62*, W84*, W89*.
Identifiers: ClinVar variation 1725956 (VCV001725956.8), dbSNP rs2547872482, ClinGen allele CA376540549.

ClinVar aggregate classification (germline): Pathogenic/Likely pathogenic. Review status: criteria provided, multiple submitters, no conflicts (2 of 4 stars). 3 submissions from 3 submitters: Pathogenic (1); Likely pathogenic (2). Last evaluated 2024-06-18.

Conditions:
Usher syndrome type 1D (USH1D). Also called: USHER SYNDROME, TYPE ID. Identifiers: Orphanet 231169, Orphanet 886, MedGen C1832845, MONDO:0010984, OMIM 601067.
Usher syndrome type 1F (USH1F). Also called: USHER SYNDROME, TYPE IF. Identifiers: Orphanet 231169, Orphanet 886, MedGen C1865885, MONDO:0011186, OMIM 602083.
Autosomal recessive nonsyndromic hearing loss 23. Identifiers: Orphanet 90636, MedGen C1836027, MONDO:0012293, OMIM 609533.

Allele frequency attached by ClinVar (database versions not stated): gnomAD exomes 0.00001.
gnomAD v4.1: 5 of 1,613,878 alleles (0.00031%); highest among the groups gnomAD compares: Non-Finnish European, 0.00042%; no homozygotes.

Submissions (3):

Fulgent Genetics
Classification: Likely pathogenic for Usher syndrome type 1D; Usher syndrome type 1F; Autosomal recessive nonsyndromic hearing loss 23. Last evaluated: 2024-06-18. Review status: criteria provided, single submitter. Criteria: ACMG Guidelines, 2015. Collection method: clinical testing. Allele origin: germline.

Labcorp Genetics (formerly Invitae), Labcorp
Classification: Pathogenic. Last evaluated: 2022-08-29. Review status: criteria provided, single submitter. Criteria: Invitae Variant Classification Sherloc (09022015). Collection method: clinical testing. Allele origin: germline.
Comment: For these reasons, this variant has been classified as Pathogenic. This sequence change creates a premature translational stop signal (p.Trp84*) in the PCDH15 gene. It is expected to result in an absent or disrupted protein product. Loss-of-function variants in PCDH15 are known to be pathogenic (PMID: 11398101, 11487575, 14570705). This variant is not present in population databases (gnomAD no frequency). This variant has not been reported in the literature in individuals affected with PCDH15-related conditions.

Myriad Genetics, Inc.
Classification: Likely pathogenic for Usher syndrome type 1D. Last evaluated: 2022-04-23. Review status: criteria provided, single submitter. Criteria: Myriad Women's Health Autosomal Recessive and X-Linked Classification Criteria (2021). Collection method: clinical testing. Allele origin: unknown.
Comment: NM_033056.3(PCDH15):c.251G>A(W84*) is expected to be pathogenic in the context of PCDH15-related disorders. This variant is predicted to lead to an abnormal or absent protein product due to the creation of a premature termination codon in PCDH15, a gene where loss-of-function variants are known to be pathogenic. Please note: this variant was assessed in the context of healthy population screening.

Literature cited by the submitters: PubMed 11398101 (cited by Labcorp Genetics (formerly Invitae), Labcorp); PubMed 11487575 (cited by Labcorp Genetics (formerly Invitae), Labcorp); PubMed 14570705 (cited by Labcorp Genetics (formerly Invitae), Labcorp).